The following is an entry in ClinVar:

ClinVar aggregate classification (germline): Likely benign (1 of 4 stars; one submission).

Allele frequency attached by ClinVar (database versions not stated): gnomAD exomes 0.00001.
gnomAD v4.1: 8 of 754,377 alleles (0.0011%); highest among the groups gnomAD compares: Non-Finnish European, 0.0013%; no homozygotes.

Submission:

CeGaT Center for Human Genetics Tuebingen
Classification: Likely benign. Last evaluated: 2023-02-01. Review status: criteria provided, single submitter. Criteria: CeGaT Center For Human Genetics Tuebingen Variant Classification Criteria Version 2. Collection method: clinical testing. Allele origin: germline. Affected: yes. Observed: 1 variant allele.
Comment: FRMPD4: PM2:Supporting, BP4, BP7

NM_001368397.1(FRMPD4):c.4590C>T (p.Cys1530=)

Gene: FRMPD4 (FERM and PDZ domain containing 4; plus strand). Cytogenetic location: Xp22.2.
Variant type: single nucleotide variant.
Coding change: c.4590C>T on transcript NM_001368397.1 (MANE Select); coding-DNA position 4590, C replaced by T.
Protein change: p.Cys1530=; no amino-acid change (cysteine 1530 retained).
Molecular consequence: synonymous variant. On other transcripts: 3 prime UTR variant (6).
Genome position (GRCh38, 1-based): chrX:12,721,159, C>T. VCF-style: chrX-12721159-C-T. GRCh37 (hg19) VCF-style: chrX-12739278-C-T.
Other names: c.*626C>T (NM_001368402.3, NM_014728.3, NM_001368398.3 and 3 more transcripts); c.4701C>T, p.Cys1567= (NM_001368395.3); c.4596C>T, p.Cys1532= (NM_001368396.3).
Identifiers: ClinVar variation 2660015 (VCV002660015.24), dbSNP rs2519887446, ClinGen allele CA2579552163.